The following is an entry in ClinVar:

NM_000124.4(ERCC6):c.4095T>A (p.Asn1365Lys)

Gene: ERCC6 (ERCC excision repair 6, chromatin remodeling factor; minus strand). Cytogenetic location: 10q11.23.
Variant type: single nucleotide variant.
Coding change: c.4095T>A on transcript NM_000124.4 (MANE Select); coding-DNA position 4095, T replaced by A.
Protein change: p.Asn1365Lys; replaces asparagine 1365 with lysine.
Molecular consequence: missense variant.
Genome position (GRCh38, 1-based): chr10:49,459,202, A>T on the plus strand (T>A on the coding strand, the complement: ERCC6 is on the minus strand). VCF-style: chr10-49459202-A-T. GRCh37 (hg19) VCF-style: chr10-50667248-A-T.
Other names: c.4095T>A, p.Asn1365Lys (NM_001346440.2); short protein forms N1365K.
Identifiers: ClinVar variation 716211 (VCV000716211.16), dbSNP rs150277901, ClinGen allele CA5495176.

ClinVar aggregate classification (germline): Conflicting classifications of pathogenicity. Review status: criteria provided, conflicting classifications (1 of 4 stars). 3 submissions from 3 submitters: Uncertain significance (2); Likely benign (1). Last evaluated 2026-01-24.

Allele frequency attached by ClinVar (database versions not stated): gnomAD 0.00051; ESP Exome Variant Server 0.00054; TOPMed 0.00070; 1000 Genomes Project 0.00080; 1000 Genomes Project 30x 0.00109.
gnomAD v4.1: 178 of 1,614,188 alleles (0.011%); highest among the groups gnomAD compares: African/African-American, 0.22%; 1 homozygote.

Submissions (3):

Labcorp Genetics (formerly Invitae), Labcorp
Classification: Likely benign. Last evaluated: 2026-01-24. Review status: criteria provided, single submitter. Criteria: Invitae Variant Classification Sherloc (09022015). Collection method: clinical testing. Allele origin: germline.

GeneDx
Classification: Uncertain significance. Last evaluated: 2025-08-07. Review status: criteria provided, single submitter. Criteria: GeneDx Variant Classification Process June 2021. Collection method: clinical testing. Allele origin: germline. Affected: yes.
Comment: In silico analysis suggests that this missense variant does not alter protein structure/function; Has not been previously published as pathogenic or benign to our knowledge

Blueprint Genetics
Classification: Uncertain significance. Last evaluated: 2024-05-06. Review status: criteria provided, single submitter. Criteria: ACMG Guidelines, 2015. Collection method: clinical testing. Allele origin: germline.